The following is an entry in ClinVar:

NM_001009944.3(PKD1):c.12030C>T (p.Arg4010=)

Gene: PKD1 (polycystin 1, transient receptor potential channel interacting; minus strand). Cytogenetic location: 16p13.3.
Variant type: single nucleotide variant.
Coding change: c.12030C>T on transcript NM_001009944.3 (MANE Select); coding-DNA position 12030, C replaced by T.
Protein change: p.Arg4010=; no amino-acid change (arginine 4010 retained).
Molecular consequence: synonymous variant.
Genome position (GRCh38, 1-based): chr16:2,090,782, G>A on the plus strand (C>T on the coding strand, the complement: PKD1 is on the minus strand). VCF-style: chr16-2090782-G-A. GRCh37 (hg19) VCF-style: chr16-2140783-G-A.
Other names: c.12027C>T, p.Arg4009= (NM_000296.4).
Identifiers: ClinVar variation 4997650 (VCV004997650.1).

ClinVar aggregate classification (germline): Likely benign (1 of 4 stars; one submission).

Conditions:
PKD1-related disorder. Also called: PKD1-related condition.

gnomAD v4.1: 9 of 1,612,584 alleles (0.00056%); highest among the groups gnomAD compares: Non-Finnish European, 0.00076%; no homozygotes.

Submission:

PreventionGenetics, part of Exact Sciences
Classification: Likely benign for PKD1-related condition. Last evaluated: 2026-02-03. Review status: criteria provided, single submitter. Criteria: ACMG Guidelines, 2015. Collection method: clinical testing. Allele origin: germline.
Comment: This variant is classified as likely benign based on ACMG/AMP sequence variant interpretation guidelines (Richards et al. 2015 PMID: 25741868, with internal and published modifications).